The following is an entry in ClinVar:

NM_001330311.2(DVL1):c.1339+10C>T

Gene: DVL1 (dishevelled segment polarity protein 1; minus strand). Cytogenetic location: 1p36.33.
Variant type: single nucleotide variant.
Coding change: c.1339+10C>T on transcript NM_001330311.2 (MANE Select); 10 bases into the intron after coding-DNA position 1339, C replaced by T.
Molecular consequence: intron variant.
Genome position (GRCh38, 1-based): chr1:1,338,512, G>A on the plus strand (C>T on the coding strand, the complement: DVL1 is on the minus strand). VCF-style: chr1-1338512-G-A. GRCh37 (hg19) VCF-style: chr1-1273892-G-A.
Other names: c.1264+10C>T (NM_004421.3, NM_004421.2).
Identifiers: ClinVar variation 2195444 (VCV002195444.6), dbSNP rs765342412, ClinGen allele CA520137.
Genomic context (GRCh38, chr1:1,338,512, plus strand): 5'-GGTCAGCCCGCAGCCTCGAGGCAAGCAGCCCTGCCCCTGGCACTATCCGCCCGCGGGGAC[G>A]GCCACTCACCGATGACGGCATTGGCGATGGTGATCTTGAGCCACATGCGGTCGCGGATCT-3'

ClinVar aggregate classification (germline): Likely benign. Review status: criteria provided, single submitter (1 of 4 stars). 2 submissions from 2 submitters: Likely benign (1). 1 of the submissions does not count toward it. Last evaluated 2025-09-06.

Conditions:
DVL1-related disorder. Also called: DVL1-related condition.

Allele frequency attached by ClinVar (database versions not stated): TOPMed 0.00001; gnomAD exomes 0.00002; ExAC 0.00003; gnomAD 0.00003.
gnomAD v4.1: 38 of 1,611,962 alleles (0.0024%); highest among the groups gnomAD compares: South Asian, 0.0088%; no homozygotes.

Submissions (2):

Labcorp Genetics (formerly Invitae), Labcorp
Classification: Likely benign. Last evaluated: 2025-09-06. Review status: criteria provided, single submitter. Criteria: Invitae Variant Classification Sherloc (09022015). Collection method: clinical testing. Allele origin: germline.

PreventionGenetics, part of Exact Sciences
Classification: Likely benign for DVL1-related condition. Last evaluated: 2024-08-14. Review status: no assertion criteria provided. Collection method: clinical testing. Allele origin: germline. Not counted in ClinVar's aggregate classification.
Comment: This variant is classified as likely benign based on ACMG/AMP sequence variant interpretation guidelines (Richards et al. 2015 PMID: 25741868, with internal and published modifications).